The following is an entry in ClinVar:

NM_001378454.1(ALMS1):c.9907+129T>G

Gene: ALMS1 (ALMS1 centrosome and basal body associated protein; plus strand). Cytogenetic location: 2p13.1.
Variant type: single nucleotide variant.
Coding change: c.9907+129T>G on transcript NM_001378454.1 (MANE Select); 129 bases into the intron after coding-DNA position 9907, T replaced by G.
Molecular consequence: intron variant.
Genome position (GRCh38, 1-based): chr2:73,535,078, T>G. VCF-style: chr2-73535078-T-G. GRCh37 (hg19) VCF-style: chr2-73762205-T-G.
Other names: c.9907+129T>G (NM_015120.4); c.9910+129T>G (NM_015120.4).
Identifiers: ClinVar variation 677850 (VCV000677850.2), dbSNP rs73947814, ClinGen allele CA15167619.
Genomic context (GRCh38, chr2:73,535,078, plus strand): 5'-GGAGTGACAAAAGTCCAGTGCTCTTTAATTTTTCAGTGAAATATGGAACTTTTCATACCT[T>G]GATCTCTGGTTCAGATAGGTGAGTTATTTGATCAGATATATACACATAAGCATTTATAAA-3'

ClinVar aggregate classification (germline): Likely benign. Review status: criteria provided, multiple submitters, no conflicts (2 of 4 stars). 2 submissions from 2 submitters: Likely benign (2). Last evaluated 2018-06-14.

Allele frequency attached by ClinVar (database versions not stated): 1000 Genomes Project 0.02216; 1000 Genomes Project 30x 0.02358; gnomAD 0.03072 and 0.03100; TOPMed 0.03292.
gnomAD v4.1: 43,129 of 1,147,330 alleles (3.8%); highest among the groups gnomAD compares: Middle Eastern, 5.4%; 1,003 homozygotes.

Submissions (2):

GeneDx
Classification: Likely benign. Last evaluated: 2018-06-14. Review status: criteria provided, single submitter. Criteria: GeneDx Variant Classification (06012015). Collection method: clinical testing. Allele origin: germline. Affected: yes.
Comment: This variant is considered likely benign or benign based on one or more of the following criteria: it is a conservative change, it occurs at a poorly conserved position in the protein, it is predicted to be benign by multiple in silico algorithms, and/or has population frequency not consistent with disease.

Breakthrough Genomics
Classification: Likely benign. Review status: criteria provided, single submitter. Criteria: ACMG Guidelines, 2015. Collection method: not provided. Allele origin: germline. Inheritance: Autosomal recessive inheritance. Affected: yes.